The following is an entry in ClinVar:

NM_005188.4(CBL):c.2467C>T (p.Pro823Ser)

Gene: CBL (Cbl proto-oncogene; plus strand). Cytogenetic location: 11q23.3.
Variant type: single nucleotide variant.
Coding change: c.2467C>T on transcript NM_005188.4 (MANE Select); coding-DNA position 2467, C replaced by T.
Protein change: p.Pro823Ser; replaces proline 823 with serine.
Molecular consequence: missense variant.
Genome position (GRCh38, 1-based): chr11:119,299,527, C>T. VCF-style: chr11-119299527-C-T. GRCh37 (hg19) VCF-style: chr11-119170237-C-T.
Other names: short protein forms P823S.
Identifiers: ClinVar variation 2014426 (VCV002014426.4), dbSNP rs2496975615, ClinGen allele CA382932011.

ClinVar aggregate classification (germline): Uncertain significance (1 of 4 stars; one submission).

Conditions:
RASopathy. Also called: rasopathies; Noonan spectrum disorder. Identifiers: Orphanet 536391, MedGen C5555857, MONDO:0021060.

Submission:

Labcorp Genetics (formerly Invitae), Labcorp
Classification: Uncertain significance for RASopathy. Last evaluated: 2022-07-06. Review status: criteria provided, single submitter. Criteria: Invitae Variant Classification Sherloc (09022015). Collection method: clinical testing. Allele origin: germline.
Comment: This variant has not been reported in the literature in individuals affected with CBL-related conditions. This sequence change replaces proline, which is neutral and non-polar, with serine, which is neutral and polar, at codon 823 of the CBL protein (p.Pro823Ser). This variant is not present in population databases (gnomAD no frequency). Advanced modeling of protein sequence and biophysical properties (such as structural, functional, and spatial information, amino acid conservation, physicochemical variation, residue mobility, and thermodynamic stability) performed at Invitae indicates that this missense variant is not expected to disrupt CBL protein function. In summary, the available evidence is currently insufficient to determine the role of this variant in disease. Therefore, it has been classified as a Variant of Uncertain Significance.